The following is an entry in ClinVar:

NM_031220.4(PITPNM3):c.868A>C (p.Ser290Arg)

Gene: PITPNM3 (PITPNM family member 3; minus strand). Cytogenetic location: 17p13.2.
Variant type: single nucleotide variant.
Coding change: c.868A>C on transcript NM_031220.4 (MANE Select); coding-DNA position 868, A replaced by C.
Protein change: p.Ser290Arg; replaces serine 290 with arginine.
Molecular consequence: missense variant.
Genome position (GRCh38, 1-based): chr17:6,478,007, T>G on the plus strand (A>C on the coding strand, the complement: PITPNM3 is on the minus strand). VCF-style: chr17-6478007-T-G. GRCh37 (hg19) VCF-style: chr17-6381327-T-G.
Other names: c.760A>C, p.Ser254Arg (NM_001165966.2); c.868A>C (NM_031220.3); short protein forms S254R, S290R.
Identifiers: ClinVar variation 2966785 (VCV002966785.4), dbSNP rs1158666882, ClinGen allele CA397407937.

ClinVar aggregate classification (germline): Uncertain significance. Review status: criteria provided, multiple submitters, no conflicts (2 of 4 stars). 2 submissions from 2 submitters: Uncertain significance (2). Last evaluated 2025-06-24.

Allele frequency attached by ClinVar (database versions not stated): TOPMed 0.00001; gnomAD 0.00003.
gnomAD v4.1: 4 of 1,613,476 alleles (0.00025%); highest among the groups gnomAD compares: African/African-American, 0.0053%; no homozygotes.

Submissions (2):

Ambry Genetics
Classification: Uncertain significance. Last evaluated: 2025-06-24. Review status: criteria provided, single submitter. Criteria: Ambry Variant Classification Scheme 2023. Collection method: clinical testing. Allele origin: germline.

Labcorp Genetics (formerly Invitae), Labcorp
Classification: Uncertain significance. Last evaluated: 2023-06-13. Review status: criteria provided, single submitter. Criteria: Invitae Variant Classification Sherloc (09022015). Collection method: clinical testing. Allele origin: germline.
Comment: This sequence change replaces serine, which is neutral and polar, with arginine, which is basic and polar, at codon 290 of the PITPNM3 protein (p.Ser290Arg). This variant is present in population databases (no rsID available, gnomAD 0.02%). This variant has not been reported in the literature in individuals affected with PITPNM3-related conditions. Advanced modeling of protein sequence and biophysical properties (such as structural, functional, and spatial information, amino acid conservation, physicochemical variation, residue mobility, and thermodynamic stability) performed at Invitae indicates that this missense variant is not expected to disrupt PITPNM3 protein function. In summary, the available evidence is currently insufficient to determine the role of this variant in disease. Therefore, it has been classified as a Variant of Uncertain Significance.